The following is an entry in ClinVar:

ClinVar aggregate classification (germline): Pathogenic. Review status: criteria provided, multiple submitters, no conflicts (2 of 4 stars). 2 submissions from 2 submitters: Pathogenic (2). Last evaluated 2024-03-13.

Conditions:
Idiopathic basal ganglia calcification 1 (PFBC1A). Also called: Fahr's syndrome; Cerebral calcification nonarteriosclerotic idiopathic adult-onset; Striopallidodentate calcinosis autosomal dominant adult-onset; Ferrocalcinosis, cerebrovascular; Fahr disease, familial (formerly); Familial Idiopathic Basal Ganglia Calcification 3. Identifiers: Orphanet 1980, MedGen C4551624, MONDO:0024538, OMIM 213600.

Allele frequency attached by ClinVar (database versions not stated): gnomAD exomes below 0.00001.
gnomAD v4.1: 5 of 1,605,134 alleles (0.00031%); highest among the groups gnomAD compares: East Asian, 0.0022%; no homozygotes.

Submissions (2):

Institute of Medical Genetics and Applied Genomics, University Hospital Tübingen
Classification: Pathogenic for Idiopathic basal ganglia calcification 1. Last evaluated: 2024-03-13. Review status: criteria provided, single submitter. Criteria: ACMG Guidelines, 2015. Collection method: clinical testing. Allele origin: germline. Inheritance: Autosomal dominant inheritance. Affected: yes.

Labcorp Genetics (formerly Invitae), Labcorp
Classification: Pathogenic. Last evaluated: 2023-03-24. Review status: criteria provided, single submitter. Criteria: Invitae Variant Classification Sherloc (09022015). Collection method: clinical testing. Allele origin: germline.
Comment: This sequence change falls in intron 2 of the SLC20A2 gene. It does not directly change the encoded amino acid sequence of the SLC20A2 protein. This variant is not present in population databases (gnomAD no frequency). This variant has been observed in individuals with primary brain calcification (PMID: 29955172, 31003906, 33471268). Studies have shown that this variant is associated with altered splicing resulting in multiple RNA products (PMID: 31003906, 33471268). For these reasons, this variant has been classified as Pathogenic.

Literature cited by the submitters: PubMed 29955172 (cited by Labcorp Genetics (formerly Invitae), Labcorp); PubMed 31003906 (cited by Labcorp Genetics (formerly Invitae), Labcorp); PubMed 33471268 (cited by Labcorp Genetics (formerly Invitae), Labcorp).

NM_001257180.2(SLC20A2):c.290-8A>G

Gene: SLC20A2 (solute carrier family 20 member 2; minus strand). Cytogenetic location: 8p11.21.
Variant type: single nucleotide variant.
Coding change: c.290-8A>G on transcript NM_001257180.2 (MANE Select); 8 bases into the intron before coding-DNA position 290, A replaced by G.
Molecular consequence: intron variant.
Genome position (GRCh38, 1-based): chr8:42,465,925, T>C on the plus strand (A>G on the coding strand, the complement: SLC20A2 is on the minus strand). VCF-style: chr8-42465925-T-C. GRCh37 (hg19) VCF-style: chr8-42323443-T-C.
Other names: c.290-8A>G (NM_006749.5, NM_001257181.2).
Identifiers: ClinVar variation 2910218 (VCV002910218.4), dbSNP rs1477223199, ClinGen allele CA2687116627.
Genomic context (GRCh38, chr8:42,465,925, plus strand): 5'-TCCTGAGATTGGAAGCCTCAGGAAGGAAGCAATCAGCTGCCACACAGCGGAACCTACAGA[T>C]TGAAGGACAAAAAACCATCAGATACAGAGTACAGAGGTGCAGACACCAAGGGAAGAAATC-3'